The following is an entry in ClinVar:

ClinVar aggregate classification (germline): Pathogenic. Review status: criteria provided, single submitter (1 of 4 stars). 2 submissions from 2 submitters: Pathogenic (1). 1 of the submissions does not count toward it. Last evaluated 2020-03-23.

Conditions:
Duchenne muscular dystrophy (DMD). Also called: MUSCULAR DYSTROPHY, PSEUDOHYPERTROPHIC PROGRESSIVE, DUCHENNE TYPE; Duchenne Muscular Dystrophy (DMD). Identifiers: Orphanet 98896, MedGen C0013264, MONDO:0010679, OMIM 310200.

Submissions (3):

Revvity Omics, Revvity
Classification: Pathogenic. Last evaluated: 2020-03-23. Review status: criteria provided, single submitter. Criteria: ACMG Guidelines, 2015. Collection method: clinical testing. Allele origin: germline.

Savagenome Genetic Health Clinic, Tarbiat Modares University
Classification: Pathogenic for Duchenne muscular dystrophy. Last evaluated: 2020-07-20. Review status: no assertion criteria provided. Collection method: clinical testing. Allele origin: de novo. Inheritance: X-linked recessive inheritance. Affected: yes. Observed: 1 hemizygote. Not counted in ClinVar's aggregate classification.
Comment: The c.8548-2A>G variant in DMD has not been reported yet in anybody either healthy person or patient. In summary, the c.8548-2A>G variant meets our criteria to be classified as pathogenic.

Dr. Peter K. Rogan Lab, Western University
No classification provided (evidence only). Condition: Thyroid cancer, nonmedullary, 1. Review status: no classification provided. Collection method: in vitro. Allele origin: not applicable. Functional consequence: retained intron. Not counted in ClinVar's aggregate classification.

NM_004006.3(DMD):c.8548-2A>G

Gene: DMD (dystrophin; minus strand). Cytogenetic location: Xp21.2.
Variant type: single nucleotide variant.
Coding change: c.8548-2A>G on transcript NM_004006.3 (MANE Select); the canonical splice acceptor site of the intron before coding-DNA position 8548, A replaced by G.
Molecular consequence: splice acceptor variant.
Genome position (GRCh38, 1-based): chrX:31,479,105, T>C on the plus strand (A>G on the coding strand, the complement: DMD is on the minus strand). VCF-style: chrX-31479105-T-C. GRCh37 (hg19) VCF-style: chrX-31497222-T-C.
Other names: NC_000023.10:g.31497222T>C; c.8524-2A>G (NM_000109.4); c.4525-2A>G (NM_004011.4); c.4516-2A>G (NM_004012.4); c.1168-2A>G (NM_004023.3, NM_004020.4, NM_004022.3 and 2 more transcripts); c.361-2A>G (NM_004014.3); c.8536-2A>G (NM_004009.3); c.8179-2A>G (NM_004010.3); and 1 more.
Identifiers: ClinVar variation 978050 (VCV000978050.8), dbSNP rs2068042914, ClinGen allele CA412654701.